The following is an entry in ClinVar:

NM_002336.3(LRP6):c.3898del (p.Cys1300fs)

Gene: LRP6 (LDL receptor related protein 6; minus strand). Cytogenetic location: 12p13.2.
Variant type: Deletion.
Coding change: c.3898del on transcript NM_002336.3 (MANE Select); coding-DNA position 3898, one base deleted (T; older notation c.3898delT).
Protein change: p.Cys1300fs; shifts the reading frame from cysteine 1300.
Molecular consequence: frameshift variant. On other transcripts: non-coding transcript variant (1), intron variant (1).
Genome position (GRCh38, 1-based): chr12:12,131,893, A deleted on the plus strand (T on the coding strand, the reverse complement: LRP6 is on the minus strand). VCF-style (leftmost placement, unchanged base first): chr12-12131892-CA-C. GRCh37 (hg19) VCF-style: chr12-12284826-CA-C.
Other names: c.3991del, p.Cys1331fs (NM_001414244.1); c.3898del, p.Cys1300fs (NM_001414245.1, NM_001414248.1, NM_001414249.1 and 1 more transcripts); c.3608-1000del (NM_001414251.1); c.3763del, p.Cys1255fs (NM_001414246.1); c.3700del, p.Cys1234fs (NM_001414247.1); c.3445del, p.Cys1149fs (NM_001414252.1, NM_001414253.1, NM_001414254.1); c.3391del, p.Cys1131fs (NM_001414255.1); short protein forms C1234fs, C1131fs, C1149fs, C1255fs, C1300fs, C1331fs.
Identifiers: ClinVar variation 2708589 (VCV002708589.3), dbSNP rs2498639066, ClinGen allele CA2697559107.

ClinVar aggregate classification (germline): Pathogenic (1 of 4 stars; one submission).

Submission:

Labcorp Genetics (formerly Invitae), Labcorp
Classification: Pathogenic. Last evaluated: 2024-01-10. Review status: criteria provided, single submitter. Criteria: Invitae Variant Classification Sherloc (09022015). Collection method: clinical testing. Allele origin: germline.
Comment: This sequence change creates a premature translational stop signal (p.Cys1300Valfs*28) in the LRP6 gene. It is expected to result in an absent or disrupted protein product. Loss-of-function variants in LRP6 are known to be pathogenic (PMID: 26387593). This variant is not present in population databases (gnomAD no frequency). This variant has not been reported in the literature in individuals affected with LRP6-related conditions. For these reasons, this variant has been classified as Pathogenic.

Literature cited by the submitters: PubMed 26387593.